The following is an entry in ClinVar:

NM_000257.4(MYH7):c.3042G>A (p.Glu1014=)

Gene: MYH7 (myosin heavy chain 7; minus strand). Cytogenetic location: 14q11.2.
Variant type: single nucleotide variant.
Coding change: c.3042G>A on transcript NM_000257.4 (MANE Select); coding-DNA position 3042, G replaced by A.
Protein change: p.Glu1014=; no amino-acid change (glutamic acid 1014 retained).
Molecular consequence: synonymous variant.
Genome position (GRCh38, 1-based): chr14:23,423,604, C>T on the plus strand (G>A on the coding strand, the complement: MYH7 is on the minus strand). VCF-style: chr14-23423604-C-T. GRCh37 (hg19) VCF-style: chr14-23892813-C-T.
Identifiers: ClinVar variation 1171162 (VCV001171162.10), dbSNP rs1471909495, ClinGen allele CA485622596.

ClinVar aggregate classification (germline): Likely benign. Review status: criteria provided, multiple submitters, no conflicts (2 of 4 stars). 4 submissions from 4 submitters: Likely benign (4). Last evaluated 2025-12-21.

Conditions:
Cardiomyopathy (CMYO). Also called: Cardiomyopathies. Identifiers: Orphanet 167848, MedGen C0878544, MONDO:0004994, HP:0001638. Inheritance: Various modes of inheritance.
Hypertrophic cardiomyopathy. Also called: HYPERTROPHIC MYOCARDIOPATHY. Identifiers: Orphanet 217569, MedGen C0007194, MeSH D002312, MONDO:0005045, HP:0001639.
Cardiovascular phenotype. Identifiers: MedGen CN230736.

Allele frequency attached by ClinVar (database versions not stated): gnomAD exomes 0.00001.
gnomAD v4.1: 7 of 1,614,098 alleles (0.00043%); highest among the groups gnomAD compares: East Asian, 0.0045%; no homozygotes.

Submissions (4):

Labcorp Genetics (formerly Invitae), Labcorp
Classification: Likely benign for Hypertrophic cardiomyopathy. Last evaluated: 2025-12-21. Review status: criteria provided, single submitter. Criteria: Invitae Variant Classification Sherloc (09022015). Collection method: clinical testing. Allele origin: germline.

All of Us Research Program, National Institutes of Health
Classification: Likely benign for Cardiomyopathy. Last evaluated: 2024-04-25. Review status: criteria provided, single submitter. Criteria: ACMG Guidelines, 2015. Collection method: clinical testing. Allele origin: germline. Inheritance: Autosomal dominant inheritance. Observed: 3 variant alleles, 3 heterozygotes.
Comment: This study involves interpretation of variants in research participants for the purpose of population health screening. Participant phenotype was not available at the time of variant classification. Additional details can be found in publication PMID: 35346344, PMCID: PMC8962531

Ambry Genetics
Classification: Likely benign for Cardiovascular phenotype. Last evaluated: 2022-07-14. Review status: criteria provided, single submitter. Criteria: Ambry Variant Classification Scheme 2023. Collection method: clinical testing. Allele origin: germline.

Color Diagnostics, LLC DBA Color Health
Classification: Likely benign for Cardiomyopathy. Last evaluated: 2020-11-11. Review status: criteria provided, single submitter. Criteria: ACMG Guidelines, 2015. Collection method: clinical testing. Allele origin: germline.